The following is an entry in ClinVar:

ClinVar aggregate classification (germline): Uncertain significance (1 of 4 stars; one submission).

Allele frequency attached by ClinVar (database versions not stated): gnomAD 0.00001; TOPMed 0.00001; ExAC 0.00002.
gnomAD v4.1: 10 of 1,613,366 alleles (0.00062%); highest among the groups gnomAD compares: Admixed American, 0.015%; no homozygotes.

Submission:

Labcorp Genetics (formerly Invitae), Labcorp
Classification: Uncertain significance. Last evaluated: 2025-02-24. Review status: criteria provided, single submitter. Criteria: Invitae Variant Classification Sherloc (09022015). Collection method: clinical testing. Allele origin: germline.
Comment: This sequence change replaces threonine, which is neutral and polar, with lysine, which is basic and polar, at codon 1501 of the LAMA1 protein (p.Thr1501Lys). This variant is present in population databases (rs750815955, gnomAD 0.02%). This variant has not been reported in the literature in individuals affected with LAMA1-related conditions. ClinVar contains an entry for this variant (Variation ID: 1941214). Invitae Evidence Modeling of protein sequence and biophysical properties (such as structural, functional, and spatial information, amino acid conservation, physicochemical variation, residue mobility, and thermodynamic stability) indicates that this missense variant is not expected to disrupt LAMA1 protein function with a negative predictive value of 80%. In summary, the available evidence is currently insufficient to determine the role of this variant in disease. Therefore, it has been classified as a Variant of Uncertain Significance.

NM_005559.4(LAMA1):c.4502C>A (p.Thr1501Lys)

Gene: LAMA1 (laminin subunit alpha 1; minus strand). Cytogenetic location: 18p11.31.
Variant type: single nucleotide variant.
Coding change: c.4502C>A on transcript NM_005559.4 (MANE Select); coding-DNA position 4502, C replaced by A.
Protein change: p.Thr1501Lys; replaces threonine 1501 with lysine.
Molecular consequence: missense variant.
Genome position (GRCh38, 1-based): chr18:6,999,606, G>T on the plus strand (C>A on the coding strand, the complement: LAMA1 is on the minus strand). VCF-style: chr18-6999606-G-T. GRCh37 (hg19) VCF-style: chr18-6999605-G-T.
Other names: short protein forms T1501K.
Identifiers: ClinVar variation 1941214 (VCV001941214.4), dbSNP rs750815955, ClinGen allele CA8881896.